The following is an entry in ClinVar:

ClinVar aggregate classification (germline): Uncertain significance (1 of 4 stars; one submission).

Submission:

Dasa
Classification: Uncertain significance. Last evaluated: 2026-05-06. Review status: criteria provided, single submitter. Criteria: DASA Assertion Criteria. Collection method: clinical testing. Allele origin: germline.
Comment: NM_001170629.2(CHD8):c.4162C>T (p.Leu1388Phe) is a missense variant that results in the substitution of leucine with phenylalanine. This variant is rare in population databases. The currently available literature and clinical evidence are not sufficient to establish a definitive association between this variant and the reported condition. Therefore, this variant is classified as a variant of uncertain significance.

NM_001170629.2(CHD8):c.4162C>T (p.Leu1388Phe)

Gene: CHD8 (chromodomain helicase DNA binding protein 8; minus strand). Cytogenetic location: 14q11.2.
Variant type: single nucleotide variant.
Coding change: c.4162C>T on transcript NM_001170629.2 (MANE Select); coding-DNA position 4162, C replaced by T.
Protein change: p.Leu1388Phe; replaces leucine 1388 with phenylalanine.
Molecular consequence: missense variant.
Genome position (GRCh38, 1-based): chr14:21,401,414, G>A on the plus strand (C>T on the coding strand, the complement: CHD8 is on the minus strand). VCF-style: chr14-21401414-G-A. GRCh37 (hg19) VCF-style: chr14-21869573-G-A.
Other names: c.3325C>T, p.Leu1109Phe (NM_020920.4); short protein forms L1109F, L1388F.
Identifiers: ClinVar variation 5020610 (VCV005020610.1).